The following is an entry in ClinVar:

NM_000245.4(MET):c.3972C>T (p.Ala1324=)

Gene: MET (MET proto-oncogene, receptor tyrosine kinase; plus strand). Cytogenetic location: 7q31.2.
Variant type: single nucleotide variant.
Coding change: c.3972C>T on transcript NM_000245.4 (MANE Select); coding-DNA position 3972, C replaced by T.
Protein change: p.Ala1324=; no amino-acid change (alanine 1324 retained).
Molecular consequence: synonymous variant.
Genome position (GRCh38, 1-based): chr7:116,795,923, C>T. VCF-style: chr7-116795923-C-T. GRCh37 (hg19) VCF-style: chr7-116435977-C-T.
Other names: c.4026C>T, p.Ala1342= (NM_001127500.3); c.2682C>T, p.Ala894= (NM_001324402.2); c.4026C>T (NM_001127500.2).
Identifiers: ClinVar variation 698507 (VCV000698507.24), dbSNP rs201519623, ClinGen allele CA4448813.

ClinVar aggregate classification (germline): Conflicting classifications of pathogenicity. Review status: criteria provided, conflicting classifications (1 of 4 stars). 6 submissions from 6 submitters: Uncertain significance (1); Benign (1); Likely benign (4). Last evaluated 2026-06-03.

Conditions:
Hereditary cancer-predisposing syndrome. Also called: Tumor predisposition; Hereditary neoplastic syndrome; Hereditary Cancer Syndrome; Neoplastic Syndromes, Hereditary. Identifiers: Orphanet 140162, MedGen C0027672, MeSH D009386, MONDO:0015356.
MET-related disorder. Also called: MET-related condition.
Renal cell carcinoma. Identifiers: Orphanet 217071, MedGen C0007134, MeSH D002292, MONDO:0005086, HP:0005584.
Papillary renal cell carcinoma type 1 (RCCP1). Also called: Renal adenocarcinoma; Renal cell carcinoma 1; Renal cell carcinoma, somatic; RENAL CELL CARCINOMA, PAPILLARY, 1, SOMATIC. Identifiers: Orphanet 47044, MedGen C1336839, OMIM 605074, HP:0011797.

Allele frequency attached by ClinVar (database versions not stated): TOPMed 0.00002; gnomAD exomes 0.00004 and 0.00002; ExAC 0.00006; 1000 Genomes Project 30x 0.00016; ESP Exome Variant Server 0.00017; 1000 Genomes Project 0.00020; gnomAD 0.00001 and 0.00002.
gnomAD v4.1: 34 of 1,614,184 alleles (0.0021%); highest among the groups gnomAD compares: South Asian, 0.0055%; no homozygotes.

Submissions (6):

PreventionGenetics, part of Exact Sciences
Classification: Likely benign for MET-related condition. Last evaluated: 2026-06-03. Review status: criteria provided, single submitter. Criteria: ACMG Guidelines, 2015. Collection method: clinical testing. Allele origin: germline.
Comment: This variant is classified as likely benign based on ACMG/AMP sequence variant interpretation guidelines (Richards et al. 2015 PMID: 25741868, with internal and published modifications).

Labcorp Genetics (formerly Invitae), Labcorp
Classification: Likely benign for Renal cell carcinoma. Last evaluated: 2025-12-19. Review status: criteria provided, single submitter. Criteria: Invitae Variant Classification Sherloc (09022015). Collection method: clinical testing. Allele origin: germline.

Center for Genomic Medicine, Rigshospitalet, Copenhagen University Hospital
Classification: Likely benign. Last evaluated: 2025-03-04. Review status: criteria provided, single submitter. Criteria: ACMG Guidelines, 2015. Collection method: clinical testing. Allele origin: germline.

Myriad Genetics, Inc.
Classification: Benign for Papillary renal cell carcinoma type 1. Last evaluated: 2024-11-14. Review status: criteria provided, single submitter. Criteria: Myriad Autosomal Dominant, Autosomal Recessive and X-Linked Classification Criteria (2023). Collection method: clinical testing. Allele origin: unknown.
Comment: This variant is considered benign. This variant is a silent/synonymous amino acid change and it is not expected to impact splicing.

Blueprint Genetics
Classification: Uncertain significance. Last evaluated: 2023-12-28. Review status: criteria provided, single submitter. Criteria: ACMG Guidelines, 2015. Collection method: clinical testing. Allele origin: germline.

Ambry Genetics
Classification: Likely benign for Hereditary cancer-predisposing syndrome. Last evaluated: 2019-09-30. Review status: criteria provided, single submitter. Criteria: Ambry Variant Classification Scheme 2023. Collection method: clinical testing. Allele origin: germline.